The following is an entry in ClinVar:

ClinVar aggregate classification (germline): Pathogenic (1 of 4 stars; one submission).

Conditions:
Hereditary cancer-predisposing syndrome. Also called: Tumor predisposition; Hereditary neoplastic syndrome; Hereditary Cancer Syndrome; Neoplastic Syndromes, Hereditary. Identifiers: Orphanet 140162, MedGen C0027672, MeSH D009386, MONDO:0015356.

Submission:

Ambry Genetics
Classification: Pathogenic for Hereditary cancer-predisposing syndrome. Last evaluated: 2025-03-25. Review status: criteria provided, single submitter. Criteria: Ambry Variant Classification Scheme 2023. Collection method: clinical testing. Allele origin: germline.
Comment: The c.1611dupG pathogenic mutation, located in coding exon 12 of the SDHA gene, results from a duplication of G at nucleotide position 1611, causing a translational frameshift with a predicted alternate stop codon (p.K538Efs*65). This variant is considered to be rare based on population cohorts in the Genome Aggregation Database (gnomAD). This alteration is expected to result in loss of function by premature protein truncation or nonsense-mediated mRNA decay. As such, this alteration is interpreted as a disease-causing mutation.

NM_004168.4(SDHA):c.1611dup (p.Lys538fs)

Gene: SDHA (succinate dehydrogenase complex flavoprotein subunit A; plus strand). Cytogenetic location: 5p15.33.
Variant type: Duplication.
Coding change: c.1611dup on transcript NM_004168.4 (MANE Select); coding-DNA position 1611, one base duplicated (G; older notation c.1611dupG).
Protein change: p.Lys538fs; shifts the reading frame from lysine 538.
Molecular consequence: frameshift variant. On other transcripts: intron variant (1).
Genome position (GRCh38, 1-based): chr5:251,051, G duplicated; the last of 3 consecutive G bases (chr5:251,049-251,051); duplicating any one gives the same sequence. VCF-style (leftmost placement, unchanged base first): chr5-251048-T-TG. GRCh37 (hg19) VCF-style: chr5-251163-T-TG.
Other names: c.1467dup, p.Lys490fs (NM_001294332.2); c.1552-3342dup (NM_001330758.2); short protein forms K538fs, K490fs.
Identifiers: ClinVar variation 3951335 (VCV003951335.1).
Genomic context (GRCh38, chr5:251,048, plus strand): 5'-ACAGTCAATGCAAAATCATGCTGCCGTGTTCCGTGTGGGAAGCGTGTTGCAAGAAGGTTG[T>TG]GGGAAAATCAGCAAGCTCTATGGAGACCTAAAGCACCTGAAGACGTTCGACCGGGGTGAG-3'